The following is an entry in ClinVar:

ClinVar aggregate classification (germline): Benign/Likely benign. Review status: criteria provided, multiple submitters, no conflicts (2 of 4 stars). 6 submissions from 6 submitters: Benign (1); Likely benign (5). Last evaluated 2026-07-14.

Conditions:
SMARCA4-related disorder. Also called: SMARCA4-related condition.
Rhabdoid tumor predisposition syndrome 2 (RTPS2). Identifiers: Orphanet 231108, Orphanet 69077, MedGen C2750074, MONDO:0013224, OMIM 613325.
Hereditary cancer-predisposing syndrome. Also called: Hereditary Cancer Syndrome; Hereditary neoplastic syndrome; Neoplastic Syndromes, Hereditary; Tumor predisposition. Identifiers: Orphanet 140162, MedGen C0027672, MeSH D009386, MONDO:0015356.

Allele frequency attached by ClinVar (database versions not stated): gnomAD exomes 0.00003 and 0.00002; gnomAD 0.00004 and 0.00003; ExAC 0.00001; TOPMed 0.00004.

Submissions (6):

Myriad Genetics, Inc.
Classification: Benign for Rhabdoid tumor predisposition syndrome 2. Last evaluated: 2026-07-14. Review status: criteria provided, single submitter. Criteria: Myriad Autosomal Dominant, Autosomal Recessive and X-Linked Classification Criteria (2023). Collection method: clinical testing. Allele origin: unknown.
Comment: This variant is considered benign. This variant is a silent/synonymous amino acid change and it is not expected to impact splicing.

PreventionGenetics, part of Exact Sciences
Classification: Likely benign for SMARCA4-related condition. Last evaluated: 2026-02-12. Review status: criteria provided, single submitter. Criteria: ACMG Guidelines, 2015. Collection method: clinical testing. Allele origin: germline.
Comment: This variant is classified as likely benign based on ACMG/AMP sequence variant interpretation guidelines (Richards et al. 2015 PMID: 25741868, with internal and published modifications).

Labcorp Genetics (formerly Invitae), Labcorp
Classification: Likely benign for Rhabdoid tumor predisposition syndrome 2. Last evaluated: 2025-12-15. Review status: criteria provided, single submitter. Criteria: Invitae Variant Classification Sherloc (09022015). Collection method: clinical testing. Allele origin: germline.

ARUP Laboratories, Molecular Genetics and Genomics, ARUP Laboratories
Classification: Likely benign. Last evaluated: 2022-09-12. Review status: criteria provided, single submitter. Criteria: ARUP Molecular Germline Variant Investigation Process 2021. Collection method: clinical testing. Allele origin: germline.

GeneDx
Classification: Likely benign. Last evaluated: 2020-10-20. Review status: criteria provided, single submitter. Criteria: GeneDx Variant Classification Process June 2021. Collection method: clinical testing. Allele origin: germline. Affected: yes.

Ambry Genetics
Classification: Likely benign for Hereditary cancer-predisposing syndrome. Last evaluated: 2015-07-24. Review status: criteria provided, single submitter. Criteria: Ambry Variant Classification Scheme 2023. Collection method: clinical testing. Allele origin: germline.

NM_003072.5(SMARCA4):c.3201C>T (p.Gly1067=)

Gene: SMARCA4 (SWI/SNF related BAF chromatin remodeling complex subunit ATPase 4; plus strand). Cytogenetic location: 19p13.2.
Variant type: single nucleotide variant.
Coding change: c.3201C>T on transcript NM_003072.5 (MANE Select); coding-DNA position 3201, C replaced by T.
Protein change: p.Gly1067=; no amino-acid change (glycine 1067 retained).
Molecular consequence: synonymous variant. On other transcripts: non-coding transcript variant (1).
Genome position (GRCh38, 1-based): chr19:11,026,332, C>T. VCF-style: chr19-11026332-C-T. GRCh37 (hg19) VCF-style: chr19-11137008-C-T.
Other names: c.3201C>T, p.Gly1067= (NM_001128844.3, NM_001128845.2, NM_001128846.2 and 5 more transcripts).
Identifiers: ClinVar variation 415079 (VCV000415079.23), dbSNP rs763916022, ClinGen allele CA9204357.